The following is an entry in ClinVar:

NM_002439.5(MSH3):c.3126_3127insATGAAATAT (p.Asp1042_Pro1043insMetLysTyr)

Gene: MSH3 (mutS homolog 3; plus strand). Cytogenetic location: 5q14.1.
Variant type: Microsatellite.
Coding change: c.3126_3127insATGAAATAT on transcript NM_002439.5 (MANE Select); coding-DNA positions 3126 to 3127, ATGAAATAT inserted.
Protein change: p.Asp1042_Pro1043insMetLysTyr.
Molecular consequence: inframe insertion.
Genome position: GRCh38 VCF-style: chr5-80864936-G-GATATGAAAT. GRCh37 (hg19) VCF-style: chr5-80160755-G-GATATGAAAT.
Identifiers: ClinVar variation 3296308 (VCV003296308.1).

ClinVar aggregate classification (germline): Uncertain significance (1 of 4 stars; one submission).

Conditions:
Hereditary cancer-predisposing syndrome. Also called: Tumor predisposition; Hereditary Cancer Syndrome; Hereditary neoplastic syndrome; Neoplastic Syndromes, Hereditary. Identifiers: Orphanet 140162, MedGen C0027672, MeSH D009386, MONDO:0015356.

Submission:

Ambry Genetics
Classification: Uncertain significance for Hereditary cancer-predisposing syndrome. Last evaluated: 2024-06-21. Review status: criteria provided, single submitter. Criteria: Ambry Variant Classification Scheme 2023. Collection method: clinical testing. Allele origin: germline.
Comment: The c.3126_3127insATGAAATAT variant (also known as p.D1042_P1043insMKY), located in coding exon 22 of the MSH3 gene, results from an in-frame ATGAAATAT insertion at nucleotide positions 3126 to 3127. This results in the insertion of 3 extra residues (MKY) between codons 1042 and 1043. This amino acid region is not well conserved in available vertebrate species. In addition, the in silico prediction for this alteration is inconclusive (Choi Y et al. PLoS ONE. 2012; 7(10):e46688). Based on the available evidence, the clinical significance of this variant remains unclear.